The following is an entry in ClinVar:

ClinVar aggregate classification (germline): Uncertain significance (1 of 4 stars; one submission).

Conditions:
Glycogen storage disease type III (GSD3). Also called: FORBES DISEASE; Cori disease. Identifiers: Orphanet 366, MedGen C0017922, MONDO:0009291, OMIM 232400.

Submission:

Labcorp Genetics (formerly Invitae), Labcorp
Classification: Uncertain significance for Glycogen storage disease type III. Last evaluated: 2019-10-29. Review status: criteria provided, single submitter. Criteria: Invitae Variant Classification Sherloc (09022015). Collection method: clinical testing. Allele origin: germline.
Comment: This variant has not been reported in the literature in individuals with AGL-related conditions. Algorithms developed to predict the effect of missense changes on protein structure and function are either unavailable or do not agree on the potential impact of this missense change (SIFT: "Deleterious"; PolyPhen-2: "Possibly Damaging"; Align-GVGD: "Class C0"). In summary, the available evidence is currently insufficient to determine the role of this variant in disease. Therefore, it has been classified as a Variant of Uncertain Significance. This variant is present in population databases (rs772905291, ExAC 0.001%). This sequence change replaces arginine with isoleucine at codon 24 of the AGL protein (p.Arg24Ile). The arginine residue is moderately conserved and there is a moderate physicochemical difference between arginine and isoleucine.

NM_000642.3(AGL):c.71G>T (p.Arg24Ile)

Gene: AGL (amylo-alpha-1,6-glucosidase and 4-alpha-glucanotransferase; plus strand). Cytogenetic location: 1p21.2.
Variant type: single nucleotide variant.
Coding change: c.71G>T on transcript NM_000642.3 (MANE Select); coding-DNA position 71, G replaced by T.
Protein change: p.Arg24Ile; replaces arginine 24 with isoleucine.
Molecular consequence: missense variant.
Genome position (GRCh38, 1-based): chr1:99,851,113, G>T. VCF-style: chr1-99851113-G-T. GRCh37 (hg19) VCF-style: chr1-100316669-G-T.
Other names: c.71G>T, p.Arg24Ile (NM_000028.3, NM_000643.3, NM_000644.3 and 6 more transcripts); c.-121G>T (NM_000646.3); short protein forms R24I.
Identifiers: ClinVar variation 966323 (VCV000966323.10), dbSNP rs772905291, ClinGen allele CA966004.